The following is an entry in ClinVar:

NM_002241.5(KCNJ10):c.159G>A (p.Lys53=)

Gene: KCNJ10 (potassium inwardly rectifying channel subfamily J member 10; minus strand). Cytogenetic location: 1q23.2.
Variant type: single nucleotide variant.
Coding change: c.159G>A on transcript NM_002241.5 (MANE Select); coding-DNA position 159, G replaced by A.
Protein change: p.Lys53=; no amino-acid change (lysine 53 retained).
Molecular consequence: synonymous variant.
Genome position (GRCh38, 1-based): chr1:160,042,374, C>T on the plus strand (G>A on the coding strand, the complement: KCNJ10 is on the minus strand). VCF-style: chr1-160042374-C-T. GRCh37 (hg19) VCF-style: chr1-160012164-C-T.
Other names: c.159G>A (NM_002241.4).
Identifiers: ClinVar variation 2916226 (VCV002916226.4), dbSNP rs1184768011, ClinGen allele CA421597716.

ClinVar aggregate classification (germline): Likely benign. Review status: criteria provided, multiple submitters, no conflicts (2 of 4 stars). 2 submissions from 2 submitters: Likely benign (2). Last evaluated 2025-11-09.

Conditions:
KCNJ10-related disorder. Also called: KCNJ10-related condition; KCNJ10-related disorders. Identifiers: MedGen CN239321.
EAST syndrome (SESAMES). Also called: SEIZURES, SENSORINEURAL DEAFNESS, ATAXIA, IMPAIRED INTELLECTUAL DEVELOPMENT, AND ELECTROLYTE IMBALANCE. Identifiers: Orphanet 199343, MedGen C2748572, MONDO:0013005, OMIM 612780.

Allele frequency attached by ClinVar (database versions not stated): gnomAD exomes below 0.00001.
gnomAD v4.1: 2 of 1,614,030 alleles (0.00012%); highest among the groups gnomAD compares: Non-Finnish European, 0.00017%; no homozygotes.

Submissions (2):

PreventionGenetics, part of Exact Sciences
Classification: Likely benign for KCNJ10-related condition. Last evaluated: 2025-11-09. Review status: criteria provided, single submitter. Criteria: ACMG Guidelines, 2015. Collection method: clinical testing. Allele origin: germline.
Comment: This variant is classified as likely benign based on ACMG/AMP sequence variant interpretation guidelines (Richards et al. 2015 PMID: 25741868, with internal and published modifications).

Labcorp Genetics (formerly Invitae), Labcorp
Classification: Likely benign for EAST syndrome. Last evaluated: 2025-09-02. Review status: criteria provided, single submitter. Criteria: Invitae Variant Classification Sherloc (09022015). Collection method: clinical testing. Allele origin: germline.